The following is an entry in ClinVar:

NM_014915.3(ANKRD26):c.4594G>A (p.Asp1532Asn)

Gene: ANKRD26 (ankyrin repeat domain 26; minus strand). Cytogenetic location: 10p12.1.
Variant type: single nucleotide variant.
Coding change: c.4594G>A on transcript NM_014915.3 (MANE Select); coding-DNA position 4594, G replaced by A.
Protein change: p.Asp1532Asn; replaces aspartic acid 1532 with asparagine.
Molecular consequence: missense variant.
Genome position (GRCh38, 1-based): chr10:27,014,624, C>T on the plus strand (G>A on the coding strand, the complement: ANKRD26 is on the minus strand). VCF-style: chr10-27014624-C-T. GRCh37 (hg19) VCF-style: chr10-27303553-C-T.
Other names: c.4591G>A, p.Asp1531Asn (NM_001256053.2); short protein forms D1532N, D1531N.
Identifiers: ClinVar variation 4718232 (VCV004718232.1).

ClinVar aggregate classification (germline): Uncertain significance (1 of 4 stars; one submission).

Submission:

Labcorp Genetics (formerly Invitae), Labcorp
Classification: Uncertain significance. Last evaluated: 2025-04-23. Review status: criteria provided, single submitter. Criteria: Invitae Variant Classification Sherloc (09022015). Collection method: clinical testing. Allele origin: germline.
Comment: This sequence change replaces aspartic acid, which is acidic and polar, with asparagine, which is neutral and polar, at codon 1532 of the ANKRD26 protein (p.Asp1532Asn). This variant is not present in population databases (gnomAD no frequency). This variant has not been reported in the literature in individuals affected with ANKRD26-related conditions. An algorithm developed to predict the effect of missense changes on protein structure and function (PolyPhen-2) suggests that this variant is likely to be disruptive. In summary, the available evidence is currently insufficient to determine the role of this variant in disease. Therefore, it has been classified as a Variant of Uncertain Significance.